The following is an entry in ClinVar:

ClinVar aggregate classification (germline): Conflicting classifications of pathogenicity. Review status: criteria provided, conflicting classifications (1 of 4 stars). 5 submissions from 4 submitters: Uncertain significance (4); Benign (1). Last evaluated 2025-09-09.

Conditions:
Liddle syndrome 2. Identifiers: MedGen C4748251, MONDO:0020854, OMIM 618114.
Inborn genetic diseases. Identifiers: MedGen C0950123, MeSH D030342.
Monosomy 7 myelodysplasia and leukemia syndrome 1. Also called: Familial Mosaic Monosomy 7 Syndrome; Monosomy 7 of bone marrow; CHROMOSOME 7q DELETION. Identifiers: MedGen C1854978, MONDO:0009646, OMIM 252270.
Pseudohypoaldosteronism, type IB1, autosomal recessive. Also called: Pseudohypoaldosteronism, Type I, Autosomal Recessive; PHA I, AUTOSOMAL RECESSIVE; Autosomal recessive pseudohypoaldosteronism type 1; Pseudohypoaldosteronism, Type I, Recessive. Identifiers: Orphanet 171876, Orphanet 756, MedGen C5774176, MONDO:0009917, OMIM 264350.

Allele frequency attached by ClinVar (database versions not stated): ExAC 0.00006; gnomAD 0.00006 and 0.00007; gnomAD exomes 0.00006; TOPMed 0.00007; ESP Exome Variant Server 0.00008; 1000 Genomes Project 30x 0.00016; 1000 Genomes Project 0.00020.
gnomAD v4.1: 89 of 1,614,012 alleles (0.0055%); highest among the groups gnomAD compares: Non-Finnish European, 0.0065%; no homozygotes.

Submissions (5):

Johns Hopkins Genomics, Johns Hopkins University
Classification: Uncertain significance for Monosomy 7 myelodysplasia and leukemia syndrome 1. Last evaluated: 2025-09-09. Review status: criteria provided, single submitter. Criteria: ACMG Guidelines, 2015. Collection method: clinical testing. Allele origin: germline.
Comment: This SCNN1G missense variant (rs139012605) is rare (<0.1%) in a large population dataset (gnomAD v4.1.0: 89/1614012 total alleles, MAF 0.005514%, 0 homozygotes; European (non-Finnish) subpopulation 77/1180016 total alleles, MAF 0.006525%, 0 homozygotes). This variant has been reported in ClinVar (Variation ID 886156), but has not been reported in the literature, to our knowledge. Of three bioinformatics tools queried, one predicts that the substitution would be possibly damaging, while two predict that it would be tolerated; however, these algorithms have low specificity, especially for predicting gain of function or dominant negative variants. The glycine residue at this position is evolutionarily conserved across all mammalian species assessed. We consider the clinical significance of c.1861G>A in SCNN1G to be uncertain at this time.

Ambry Genetics
Classification: Uncertain significance for Inborn genetic diseases. Last evaluated: 2025-04-13. Review status: criteria provided, single submitter. Criteria: Ambry Variant Classification Scheme 2023. Collection method: clinical testing. Allele origin: germline.

Labcorp Genetics (formerly Invitae), Labcorp
Classification: Uncertain significance. Last evaluated: 2022-05-12. Review status: criteria provided, single submitter. Criteria: Invitae Variant Classification Sherloc (09022015). Collection method: clinical testing. Allele origin: germline.
Comment: In summary, the available evidence is currently insufficient to determine the role of this variant in disease. Therefore, it has been classified as a Variant of Uncertain Significance. Algorithms developed to predict the effect of missense changes on protein structure and function (SIFT, PolyPhen-2, Align-GVGD) all suggest that this variant is likely to be tolerated. ClinVar contains an entry for this variant (Variation ID: 886156). This variant has not been reported in the literature in individuals affected with SCNN1G-related conditions. This variant is present in population databases (rs139012605, gnomAD 0.01%). This sequence change replaces glycine, which is neutral and non-polar, with serine, which is neutral and polar, at codon 621 of the SCNN1G protein (p.Gly621Ser).

Illumina Laboratory Services, Illumina
Classification: Uncertain significance for Pseudohypoaldosteronism, type IB1, autosomal recessive. Last evaluated: 2018-01-13. Review status: criteria provided, single submitter. Criteria: ICSL Variant Classification Criteria 13 December 2019. Collection method: clinical testing. Allele origin: germline.

Illumina Laboratory Services, Illumina
Classification: Benign for Liddle syndrome 2. Last evaluated: 2018-01-13. Review status: criteria provided, single submitter. Criteria: ICSL Variant Classification Criteria 13 December 2019. Collection method: clinical testing. Allele origin: germline.
Comment: This variant was observed in the ICSL laboratory as part of a predisposition screen in an ostensibly healthy population. It had not been previously curated by ICSL or reported in the Human Gene Mutation Database (HGMD: prior to June 1st, 2018), and was therefore a candidate for classification through an automated scoring system. Utilizing variant allele frequency, disease prevalence and penetrance estimates, and inheritance mode, an automated score was calculated to assess if this variant is too frequent to cause the disease. Based on the score and internal cut-off values, a variant classified as benign is not then subjected to further curation. The score for this variant resulted in a classification of benign for this disease.

NM_001039.4(SCNN1G):c.1861G>A (p.Gly621Ser)

Gene: SCNN1G (sodium channel epithelial 1 subunit gamma; plus strand). Cytogenetic location: 16p12.2.
Variant type: single nucleotide variant.
Coding change: c.1861G>A on transcript NM_001039.4 (MANE Select); coding-DNA position 1861, G replaced by A.
Protein change: p.Gly621Ser; replaces glycine 621 with serine.
Molecular consequence: missense variant.
Genome position (GRCh38, 1-based): chr16:23,215,380, G>A. VCF-style: chr16-23215380-G-A. GRCh37 (hg19) VCF-style: chr16-23226701-G-A.
Other names: short protein forms G621S.
Identifiers: ClinVar variation 886156 (VCV000886156.10), dbSNP rs139012605, ClinGen allele CA7959988.